The following is an entry in ClinVar:

NM_001750.7(CAST):c.2103C>T (p.Tyr701=)

Genes: CAST (calpastatin; plus strand), ERAP1 (endoplasmic reticulum aminopeptidase 1; minus strand). Cytogenetic location: 5q15.
Variant type: single nucleotide variant.
Coding change: c.2103C>T on transcript NM_001750.7 (MANE Select); coding-DNA position 2103, C replaced by T.
Protein change: p.Tyr701=; no amino-acid change (tyrosine 701 retained).
Molecular consequence: synonymous variant. On other transcripts: non-coding transcript variant (1), intron variant (2).
Genome position (GRCh38, 1-based): chr5:96,766,118, C>T. VCF-style: chr5-96766118-C-T. GRCh37 (hg19) VCF-style: chr5-96101822-C-T.
Other names: c.1935C>T, p.Tyr645= (NM_001330628.2); c.2019C>T, p.Tyr673= (NM_001330629.2); c.1689C>T, p.Tyr563= (NM_001330630.2); c.1815C>T, p.Tyr605= (NM_001330631.2, NM_001423251.1, NM_001423252.1 and 1 more transcripts); c.1785C>T, p.Tyr595= (NM_001330632.2); c.1797C>T, p.Tyr599= (NM_001330633.2); c.1758C>T, p.Tyr586= (NM_001330634.2); c.1992C>T, p.Tyr664= (NM_001375317.1); and 14 more.
Identifiers: ClinVar variation 784054 (VCV000784054.33), dbSNP rs61733809, ClinGen allele CA3351633.

ClinVar aggregate classification (germline): Benign/Likely benign. Review status: criteria provided, multiple submitters, no conflicts (2 of 4 stars). 4 submissions from 4 submitters: Benign (1); Likely benign (3). Last evaluated 2026-09-23.

Conditions:
CAST-related disorder. Also called: CAST-related condition.

Allele frequency attached by ClinVar (database versions not stated): gnomAD 0.00332 and 0.00341; ESP Exome Variant Server 0.00346; 1000 Genomes Project 0.00120; gnomAD exomes 0.00308 and 0.00528; ExAC 0.00261; 1000 Genomes Project 30x 0.00203; TOPMed 0.00392.
gnomAD v4.1: 8,156 of 1,607,712 alleles (0.51%); highest among the groups gnomAD compares: Non-Finnish European, 0.63%; 40 homozygotes.

Submissions (4):

PreventionGenetics, part of Exact Sciences
Classification: Likely benign for CAST-related condition. Last evaluated: 2026-09-23. Review status: criteria provided, single submitter. Criteria: ACMG Guidelines, 2015. Collection method: clinical testing. Allele origin: germline.
Comment: This variant is classified as likely benign based on ACMG/AMP sequence variant interpretation guidelines (Richards et al. 2015 PMID: 25741868, with internal and published modifications).

CeGaT Center for Human Genetics Tuebingen
Classification: Likely benign. Last evaluated: 2026-04-01. Review status: criteria provided, single submitter. Criteria: CeGaT Center For Human Genetics Tuebingen Variant Classification Criteria Version 2. Collection method: clinical testing. Allele origin: germline. Affected: yes. Observed: 8 variant alleles.
Comment: CAST: BP4, BP7, BS2

Labcorp Genetics (formerly Invitae), Labcorp
Classification: Benign. Last evaluated: 2025-12-27. Review status: criteria provided, single submitter. Criteria: Invitae Variant Classification Sherloc (09022015). Collection method: clinical testing. Allele origin: germline.

Blueprint Genetics
Classification: Likely benign. Last evaluated: 2024-11-25. Review status: criteria provided, single submitter. Criteria: ACMG Guidelines, 2015. Collection method: clinical testing. Allele origin: germline.